The following is an entry in ClinVar:

ClinVar aggregate classification (germline): Pathogenic (1 of 4 stars; one submission).

Submission:

GeneDx
Classification: Pathogenic. Last evaluated: 2022-07-08. Review status: criteria provided, single submitter. Criteria: GeneDx Variant Classification Process June 2021. Collection method: clinical testing. Allele origin: germline. Affected: yes.
Comment: In silico analysis supports that this missense variant has a deleterious effect on protein structure/function; Not observed at significant frequency in large population cohorts (gnomAD); This variant is associated with the following publications: (PMID: 34490615)

NM_003108.4(SOX11):c.190C>G (p.Arg64Gly)

Gene: SOX11 (SRY-box transcription factor 11; plus strand). Cytogenetic location: 2p25.2.
Variant type: single nucleotide variant.
Coding change: c.190C>G on transcript NM_003108.4 (MANE Select); coding-DNA position 190, C replaced by G.
Protein change: p.Arg64Gly; replaces arginine 64 with glycine.
Molecular consequence: missense variant.
Genome position (GRCh38, 1-based): chr2:5,692,911, C>G. VCF-style: chr2-5692911-C-G. GRCh37 (hg19) VCF-style: chr2-5833043-C-G.
Other names: short protein forms R64G.
Identifiers: ClinVar variation 420790 (VCV000420790.4), dbSNP rs1064794702, ClinGen allele CA16617743.